The following is an entry in ClinVar:

ClinVar aggregate classification (germline): Uncertain significance (1 of 4 stars; one submission).

Conditions:
Congenital myasthenic syndrome 17. Identifiers: Orphanet 590, MedGen C4225377, MONDO:0014578, OMIM 616304.
Cenani-Lenz syndactyly syndrome. Also called: SYNDACTYLY, TYPE VII; CENANI SYNDACTYLISM. Identifiers: Orphanet 3258, MedGen C1859309, MONDO:0008931, OMIM 212780.
Sclerosteosis 2 (SOST2). Identifiers: Orphanet 3152, MedGen C3280402, MONDO:0013679, OMIM 614305.

Allele frequency attached by ClinVar (database versions not stated): gnomAD exomes below 0.00001; TOPMed below 0.00001; gnomAD 0.00001.
gnomAD v4.1: 2 of 1,613,720 alleles (0.00012%); highest among the groups gnomAD compares: East Asian, 0.0022%; no homozygotes.

Submission:

Labcorp Genetics (formerly Invitae), Labcorp
Classification: Uncertain significance for Cenani-Lenz syndactyly syndrome; Sclerosteosis 2; Congenital myasthenic syndrome 17. Last evaluated: 2024-04-22. Review status: criteria provided, single submitter. Criteria: Invitae Variant Classification Sherloc (09022015). Collection method: clinical testing. Allele origin: germline.
Comment: This sequence change replaces glutamine, which is neutral and polar, with arginine, which is basic and polar, at codon 1091 of the LRP4 protein (p.Gln1091Arg). This variant is not present in population databases (gnomAD no frequency). This variant has not been reported in the literature in individuals affected with LRP4-related conditions. ClinVar contains an entry for this variant (Variation ID: 2150141). Advanced modeling of protein sequence and biophysical properties (such as structural, functional, and spatial information, amino acid conservation, physicochemical variation, residue mobility, and thermodynamic stability) performed at Invitae indicates that this missense variant is not expected to disrupt LRP4 protein function with a negative predictive value of 80%. In summary, the available evidence is currently insufficient to determine the role of this variant in disease. Therefore, it has been classified as a Variant of Uncertain Significance.

NM_002334.4(LRP4):c.3272A>G (p.Gln1091Arg)

Gene: LRP4 (LDL receptor related protein 4; minus strand). Cytogenetic location: 11p11.2.
Variant type: single nucleotide variant.
Coding change: c.3272A>G on transcript NM_002334.4 (MANE Select); coding-DNA position 3272, A replaced by G.
Protein change: p.Gln1091Arg; replaces glutamine 1091 with arginine.
Molecular consequence: missense variant.
Genome position (GRCh38, 1-based): chr11:46,877,204, T>C on the plus strand (A>G on the coding strand, the complement: LRP4 is on the minus strand). VCF-style: chr11-46877204-T-C. GRCh37 (hg19) VCF-style: chr11-46898755-T-C.
Other names: short protein forms Q1091R.
Identifiers: ClinVar variation 2150141 (VCV002150141.4), dbSNP rs1448962979, ClinGen allele CA380275219.
Genomic context (GRCh38, chr11:46,877,204, plus strand): 5'-TAATTGTTGAAGGGCAGGGACAGAAGGCCAGGTGGGAAGAGAGGGCCATACAGACCTTCC[T>C]GGGGGTCTACTCCAATGGCAATGGTGTTCTTCATGGTAATGTTGATTGGTACCACCACAT-3'
Protein context (NP_002325.2, residues 1081-1101): KNTIAIGVDP[Gln1091Arg]EGKVYWSDST